The following is an entry in ClinVar:

ClinVar aggregate classification (germline): Uncertain significance (1 of 4 stars; one submission).

Conditions:
RASopathy. Also called: Noonan spectrum disorder; rasopathies. Identifiers: Orphanet 536391, MedGen C5555857, MONDO:0021060.

Submission:

Labcorp Genetics (formerly Invitae), Labcorp
Classification: Uncertain significance for RASopathy. Last evaluated: 2024-11-18. Review status: criteria provided, single submitter. Criteria: Invitae Variant Classification Sherloc (09022015). Collection method: clinical testing. Allele origin: germline.
Comment: This sequence change falls in intron 1 of the SOS1 gene. It does not directly change the encoded amino acid sequence of the SOS1 protein. This variant is not present in population databases (gnomAD no frequency). This variant has not been reported in the literature in individuals affected with SOS1-related conditions. Experimental studies and prediction algorithms are not available or were not evaluated, and the effect of this variant on mRNA splicing is currently unknown. In summary, the available evidence is currently insufficient to determine the role of this variant in disease. Therefore, it has been classified as a Variant of Uncertain Significance.

NM_005633.4(SOS1):c.87+18_87+60del

Genes: SOS1 (SOS Ras/Rac guanine nucleotide exchange factor 1; minus strand), LOC129933535 (ATAC-STARR-seq lymphoblastoid silent region 11384; plus strand). Cytogenetic location: 2p22.1.
Variant type: Deletion.
Coding change: c.87+18_87+60del on transcript NM_005633.4 (MANE Select); bases 18 to 60 of the intron after coding-DNA position 87, 43 bases deleted.
Molecular consequence: intron variant.
Genome position (GRCh38, 1-based): chr2:39,120,276-39,120,318, 43 bases deleted; deleting any 43 consecutive bases within chr2:39,120,276-39,120,319 gives the same sequence; the c. name uses the placement nearest the transcript's 3' end. GRCh37 (hg19): chr2:39,347,418-39,347,460.
Other names: c.66+4346_66+4388del (NM_001382394.1); c.87+18_87+60del (NM_001382395.1).
Identifiers: ClinVar variation 3637296 (VCV003637296.2).